The following is an entry in ClinVar:

ClinVar aggregate classification (germline): Likely pathogenic (1 of 4 stars; one submission).

Conditions:
CHD7-related disorder. Also called: CHD7-related condition.

Submission:

PreventionGenetics, part of Exact Sciences
Classification: Likely pathogenic for CHD7-related condition. Last evaluated: 2025-04-22. Review status: criteria provided, single submitter. Criteria: ACMG Guidelines, 2015. Collection method: clinical testing. Allele origin: germline.
Comment: The CHD7 c.2723G>T variant is predicted to result in the amino acid substitution p.Trp908Leu. To our knowledge, this variant has not been reported in the literature or in a large population database (gnomAD), indicating it is rare. Based on the evidence, this variant is interpreted as likely pathogenic.

NM_017780.4(CHD7):c.2723G>T (p.Trp908Leu)

Gene: CHD7 (chromodomain helicase DNA binding protein 7; plus strand). Cytogenetic location: 8q12.2.
Variant type: single nucleotide variant.
Coding change: c.2723G>T on transcript NM_017780.4 (MANE Select); coding-DNA position 2723, G replaced by T.
Protein change: p.Trp908Leu; replaces tryptophan 908 with leucine.
Molecular consequence: missense variant. On other transcripts: intron variant (1).
Genome position (GRCh38, 1-based): chr8:60,821,815, G>T. VCF-style: chr8-60821815-G-T. GRCh37 (hg19) VCF-style: chr8-61734374-G-T.
Other names: c.1717-40414G>T (NM_001316690.1); short protein forms W908L.
Identifiers: ClinVar variation 5001128 (VCV005001128.1).
Genomic context (GRCh38, chr8:60,821,815, plus strand): 5'-TGAATCCAATTCTGATTTATTTAAATCTGGTCCAGCCTGTGACTCACTATCTGGTGAAGT[G>T]GTGTTCACTTCCTTATGAAGACAGCACGTGGGAGCGGAGGCAGGACATAGATCAAGCAAA-3'
Protein context (NP_060250.2, residues 898-918): GEPVTHYLVK[Trp908Leu]CSLPYEDSTW